The following is an entry in ClinVar:

ClinVar aggregate classification (germline): Uncertain significance (1 of 4 stars; one submission).

Conditions:
Dilated cardiomyopathy 1G (CMD1G). Identifiers: Orphanet 154, MedGen C1858763, MONDO:0011400, OMIM 604145.
Autosomal recessive limb-girdle muscular dystrophy type 2J (LGMDR10). Also called: Limb-girdle muscular dystrophy, type 2J; MUSCULAR DYSTROPHY, LIMB-GIRDLE, AUTOSOMAL RECESSIVE 10. Identifiers: Orphanet 140922, MedGen C1837342, MONDO:0012127, OMIM 608807.

Allele frequency attached by ClinVar (database versions not stated): gnomAD exomes below 0.00001.
gnomAD v4.1: 2 of 1,614,004 alleles (0.00012%); highest among the groups gnomAD compares: Non-Finnish European, 0.000085%; no homozygotes.

Submission:

Labcorp Genetics (formerly Invitae), Labcorp
Classification: Uncertain significance for Dilated cardiomyopathy 1G; Autosomal recessive limb-girdle muscular dystrophy type 2J. Last evaluated: 2021-09-15. Review status: criteria provided, single submitter. Criteria: Invitae Variant Classification Sherloc (09022015). Collection method: clinical testing. Allele origin: germline.
Comment: In summary, the available evidence is currently insufficient to determine the role of this variant in disease. Therefore, it has been classified as a Variant of Uncertain Significance. This variant is located in the M band of TTN (PMID: 25589632). Variants in this region may be relevant for neuromuscular disorders, but have not been definitively shown to cause cardiomyopathy (PMID: 23975875). Experimental studies and prediction algorithms are not available or were not evaluated, and the functional significance of this variant is currently unknown. This variant has not been reported in the literature in individuals affected with TTN-related conditions. This variant is not present in population databases (ExAC no frequency). This sequence change replaces glutamic acid with alanine at codon 34579 of the TTN protein (p.Glu34579Ala). There is a moderate physicochemical difference between glutamic acid and alanine.

Literature cited by the submitters: PubMed 25589632; PubMed 23975875.

NM_001267550.2(TTN):c.103736A>C (p.Glu34579Ala)

Genes: TTN-AS1 (TTN antisense RNA 1; plus strand), TTN (titin; minus strand). Cytogenetic location: 2q31.2.
Variant type: single nucleotide variant.
Coding change: c.103736A>C on transcript NM_001267550.2 (MANE Select); coding-DNA position 103736, A replaced by C.
Protein change: p.Glu34579Ala; replaces glutamic acid 34579 with alanine.
Molecular consequence: missense variant.
Genome position (GRCh38, 1-based): chr2:178,532,879, T>G on the plus strand (A>C on the coding strand, the complement: TTN is on the minus strand). VCF-style: chr2-178532879-T-G. GRCh37 (hg19) VCF-style: chr2-179397606-T-G.
Other names: c.98813A>C, p.Glu32938Ala (NM_001256850.1); c.76541A>C, p.Glu25514Ala (NM_003319.4); c.96032A>C, p.Glu32011Ala (NM_133378.4); c.76916A>C, p.Glu25639Ala (NM_133432.3); c.77117A>C, p.Glu25706Ala (NM_133437.4); short protein forms E25514A, E25706A, E32011A, E32938A, E25639A, E34579A.
Identifiers: ClinVar variation 1368322 (VCV001368322.6), dbSNP rs1386348360, ClinGen allele CA349413618.
Genomic context (GRCh38, chr2:178,532,879, plus strand): 5'-CTTGAAAGGCGGATGCGCTTGGGTCGTTTCTGTACAACTCTGTCAAGTTTCCCAGGCATT[T>G]CATACTGATCACGTATCTTTTTATACCACTTCATGTCAGACATGGGCACGAACTGCTTGA-3'
Protein context (NP_001254479.2, residues 34569-34589): KWYKKIRDQY[Glu34579Ala]MPGKLDRVVQ